The following is an entry in ClinVar:

NM_004260.4(RECQL4):c.2636C>G (p.Pro879Arg)

Gene: RECQL4 (RecQ like helicase 4; minus strand). Cytogenetic location: 8q24.3.
Variant type: single nucleotide variant.
Coding change: c.2636C>G on transcript NM_004260.4 (MANE Select); coding-DNA position 2636, C replaced by G.
Protein change: p.Pro879Arg; replaces proline 879 with arginine.
Molecular consequence: missense variant.
Genome position (GRCh38, 1-based): chr8:144,512,966, G>C on the plus strand (C>G on the coding strand, the complement: RECQL4 is on the minus strand). VCF-style: chr8-144512966-G-C. GRCh37 (hg19) VCF-style: chr8-145738349-G-C.
Other names: c.1499C>G, p.Pro500Arg (NM_001413030.1, NM_001413032.1, NM_001413041.1 and 1 more transcripts); c.1367C>G, p.Pro456Arg (NM_001413031.1, NM_001413038.1); c.2342C>G, p.Pro781Arg (NM_001413017.1); c.2438C>G, p.Pro813Arg (NM_001413018.1); c.2636C>G, p.Pro879Arg (NM_001413019.1, NM_001413036.1); c.2540C>G, p.Pro847Arg (NM_001413020.1); c.2504C>G, p.Pro835Arg (NM_001413033.1); c.1565C>G, p.Pro522Arg (NM_001413034.1, NM_001413035.1, NM_001413040.1 and 5 more transcripts); and 6 more; short protein forms P478R, P500R, P456R, P512R, P522R, P813R, P879R, P762R.
Identifiers: ClinVar variation 2058931 (VCV002058931.4), dbSNP rs137975310, ClinGen allele CA372676761.

ClinVar aggregate classification (germline): Uncertain significance (1 of 4 stars; one submission).

Conditions:
Baller-Gerold syndrome (BGS). Also called: CRANIOSYNOSTOSIS WITH RADIAL DEFECTS. Identifiers: Orphanet 1225, MedGen C0265308, MONDO:0009039, OMIM 218600.

gnomAD v4.1: 1 of 1,571,772 alleles (0.000064%); highest among the groups gnomAD compares: Non-Finnish European, 0.000086%; no homozygotes.

Submission:

Labcorp Genetics (formerly Invitae), Labcorp
Classification: Uncertain significance for Baller-Gerold syndrome. Last evaluated: 2023-08-19. Review status: criteria provided, single submitter. Criteria: Invitae Variant Classification Sherloc (09022015). Collection method: clinical testing. Allele origin: germline.
Comment: Experimental studies and prediction algorithms are not available or were not evaluated, and the functional significance of this variant is currently unknown. ClinVar contains an entry for this variant (Variation ID: 2058931). This variant has not been reported in the literature in individuals affected with RECQL4-related conditions. This variant is not present in population databases (gnomAD no frequency). This sequence change replaces proline, which is neutral and non-polar, with arginine, which is basic and polar, at codon 879 of the RECQL4 protein (p.Pro879Arg). In summary, the available evidence is currently insufficient to determine the role of this variant in disease. Therefore, it has been classified as a Variant of Uncertain Significance.